The following is an entry in ClinVar:

NM_000195.5(HPS1):c.*694C>T

Gene: HPS1 (HPS1 biogenesis of lysosomal organelles complex 3 subunit 1; minus strand). Cytogenetic location: 10q24.2.
Variant type: single nucleotide variant.
Coding change: c.*694C>T on transcript NM_000195.5 (MANE Select); 694 bases downstream of the stop codon, C replaced by T.
Molecular consequence: 3 prime UTR variant.
Genome position (GRCh38, 1-based): chr10:98,416,870, G>A on the plus strand (C>T on the coding strand, the complement: HPS1 is on the minus strand). VCF-style: chr10-98416870-G-A. GRCh37 (hg19) VCF-style: chr10-100176627-G-A.
Other names: c.*694C>T (NM_001311345.2, NM_001322476.2, NM_001322477.2 and 10 more transcripts).
Identifiers: ClinVar variation 298323 (VCV000298323.6), dbSNP rs7075480, ClinGen allele CA10637115.

ClinVar aggregate classification (germline): Benign. Review status: criteria provided, multiple submitters, no conflicts (2 of 4 stars). 2 submissions from 2 submitters: Benign (2). Last evaluated 2018-01-12.

Conditions:
Hermansky-Pudlak syndrome 1 (HPS1). Also called: DELTA STORAGE POOL DISEASE. Identifiers: Orphanet 231500, Orphanet 79430, MedGen C2931875, MONDO:0008748, OMIM 203300.

Allele frequency attached by ClinVar (database versions not stated): gnomAD 0.04558 and 0.04667; gnomAD exomes 0.04592; TOPMed 0.04959; 1000 Genomes Project 0.06969; 1000 Genomes Project 30x 0.07105.

Submissions (2):

Illumina Laboratory Services, Illumina
Classification: Benign for Hermansky-Pudlak syndrome 1. Last evaluated: 2018-01-12. Review status: criteria provided, single submitter. Criteria: ICSL Variant Classification Criteria 13 December 2019. Collection method: clinical testing. Allele origin: germline.
Comment: This variant was observed in the ICSL laboratory as part of a predisposition screen in an ostensibly healthy population. It had not been previously curated by ICSL or reported in the Human Gene Mutation Database (HGMD: prior to June 1st, 2018), and was therefore a candidate for classification through an automated scoring system. Utilizing variant allele frequency, disease prevalence and penetrance estimates, and inheritance mode, an automated score was calculated to assess if this variant is too frequent to cause the disease. Based on the score and internal cut-off values, a variant classified as benign is not then subjected to further curation. The score for this variant resulted in a classification of benign for this disease.

Breakthrough Genomics
Classification: Benign. Review status: criteria provided, single submitter. Criteria: ACMG Guidelines, 2015. Collection method: not provided. Allele origin: germline. Inheritance: Autosomal recessive inheritance. Affected: yes.